The following is an entry in ClinVar:

ClinVar aggregate classification (germline): Uncertain significance (1 of 4 stars; one submission).

Submission:

GeneDx
Classification: Uncertain significance. Last evaluated: 2025-07-01. Review status: criteria provided, single submitter. Criteria: GeneDx Variant Classification Process June 2021. Collection method: clinical testing. Allele origin: germline. Affected: yes.
Comment: Not observed at significant frequency in large population cohorts (gnomAD); In silico analysis suggests that this variant does not alter protein structure/function; Has not been previously published as pathogenic or benign to our knowledge

NM_001127222.2(CACNA1A):c.3247_3248delinsCT (p.Gly1083Leu)

Gene: CACNA1A (calcium voltage-gated channel subunit alpha1 A; minus strand). Cytogenetic location: 19p13.13.
Variant type: Indel.
Coding change: c.3247_3248delinsCT on transcript NM_001127222.2 (MANE Select); coding-DNA positions 3247 to 3248, GG replaced by CT.
Protein change: p.Gly1083Leu; replaces glycine 1083 with leucine.
Molecular consequence: missense variant.
Genome position (GRCh38, 1-based): chr19:13,286,808-13,286,809, CC replaced by AG on the plus strand (GG replaced by CT on the coding strand, the reverse complement: CACNA1A is on the minus strand). VCF-style: chr19-13286808-CC-AG. GRCh37 (hg19) VCF-style: chr19-13397622-CC-AG.
Other names: c.3259_3260delinsCT, p.Gly1087Leu (NM_000068.4, NM_023035.3); c.3250_3251delGGinsCT, p.Gly1084Leu (NM_001127221.1); c.3250_3251delinsCT, p.Gly1084Leu (NM_001127221.2, NM_001174080.2); short protein forms G1083L, G1084L, G1087L.
Identifiers: ClinVar variation 4681123 (VCV004681123.1).
Genomic context (GRCh38, chr19:13,286,808, plus strand): 5'-GGGTCGGTGCTGTTTCCCATCTTGGCTGGGCTCTGGGGCAGGCCGGCGTGGCCAAGGCTG[CC>AG]GTGGGGAGCGGCCGACTCCGCGGTGGCCAGCTTGTTGTTCTTCATGTTGTCAATATCCTC-3'
Protein context (NP_001120694.1, residues 1073-1093): LATAESAAPH[Gly1083Leu]SLGHAGLPQS